The following is an entry in ClinVar:

NM_001374736.1(DST):c.22476+22C>T

Gene: DST (dystonin; minus strand). Cytogenetic location: 6p12.1.
Variant type: single nucleotide variant.
Coding change: c.22476+22C>T on transcript NM_001374736.1 (MANE Select); 22 bases into the intron after coding-DNA position 22476, C replaced by T.
Molecular consequence: intron variant.
Genome position (GRCh38, 1-based): chr6:56,470,106, G>A on the plus strand (C>T on the coding strand, the complement: DST is on the minus strand). VCF-style: chr6-56470106-G-A. GRCh37 (hg19) VCF-style: chr6-56334904-G-A.
Other names: c.16119+22C>T (NM_001144769.5); c.22476+22C>T (NM_001374722.1); c.22503+22C>T (NM_001374734.1); c.15705+22C>T (NM_001144770.2); c.15258+22C>T (NM_001374730.1); c.15585+22C>T (NM_001386100.1, NM_183380.4); c.21516+22C>T (NM_001374729.1); c.14607+22C>T (NM_015548.5).
Identifiers: ClinVar variation 1684092 (VCV001684092.2), dbSNP rs41271856, ClinGen allele CA3866260.

ClinVar aggregate classification (germline): Likely benign (1 of 4 stars; one submission).

Allele frequency attached by ClinVar (database versions not stated): 1000 Genomes Project 0.00240; 1000 Genomes Project 30x 0.00250.
gnomAD v4.1: 1,264 of 1,609,686 alleles (0.079%); highest among the groups gnomAD compares: African/African-American, 1.5%; 5 homozygotes.

Submission:

GeneDx
Classification: Likely benign. Last evaluated: 2021-11-12. Review status: criteria provided, single submitter. Criteria: GeneDx Variant Classification Process June 2021. Collection method: clinical testing. Allele origin: germline. Affected: yes.
Comment: See Variant Classification Assertion Criteria.